The following is an entry in ClinVar:

ClinVar aggregate classification (germline): Uncertain significance (1 of 4 stars; one submission).

Submission:

GeneDx
Classification: Uncertain significance. Last evaluated: 2025-01-28. Review status: criteria provided, single submitter. Criteria: GeneDx Variant Classification Process June 2021. Collection method: clinical testing. Allele origin: germline. Affected: yes.
Comment: Not observed at significant frequency in large population cohorts (gnomAD); In silico analysis indicates that this missense variant does not alter protein structure/function; Has not been previously published as pathogenic or benign to our knowledge

NM_001368397.1(FRMPD4):c.2141C>T (p.Ser714Phe)

Gene: FRMPD4 (FERM and PDZ domain containing 4; plus strand). Cytogenetic location: Xp22.2.
Variant type: single nucleotide variant.
Coding change: c.2141C>T on transcript NM_001368397.1 (MANE Select); coding-DNA position 2141, C replaced by T.
Protein change: p.Ser714Phe; replaces serine 714 with phenylalanine.
Molecular consequence: missense variant.
Genome position (GRCh38, 1-based): chrX:12,716,600, C>T. VCF-style: chrX-12716600-C-T. GRCh37 (hg19) VCF-style: chrX-12734719-C-T.
Other names: c.2252C>T, p.Ser751Phe (NM_001368395.3, NM_001368398.3); c.2147C>T, p.Ser716Phe (NM_001368396.3); c.2132C>T, p.Ser711Phe (NM_001368399.3); c.2021C>T, p.Ser674Phe (NM_001368400.3); c.2117C>T, p.Ser706Phe (NM_001368401.1, NM_001368402.3); c.2141C>T, p.Ser714Phe (NM_014728.3); short protein forms S674F, S706F, S711F, S714F, S716F, S751F.
Identifiers: ClinVar variation 4071925 (VCV004071925.1).